The following is an entry in ClinVar:

NM_032776.3(JMJD1C):c.2075G>A (p.Arg692Gln)

Gene: JMJD1C (jumonji domain containing 1C; minus strand). Cytogenetic location: 10q21.3.
Variant type: single nucleotide variant.
Coding change: c.2075G>A on transcript NM_032776.3 (MANE Select); coding-DNA position 2075, G replaced by A.
Protein change: p.Arg692Gln; replaces arginine 692 with glutamine.
Molecular consequence: missense variant. On other transcripts: non-coding transcript variant (1).
Genome position (GRCh38, 1-based): chr10:63,214,092, C>T on the plus strand (G>A on the coding strand, the complement: JMJD1C is on the minus strand). VCF-style: chr10-63214092-C-T. GRCh37 (hg19) VCF-style: chr10-64973852-C-T.
Other names: c.1529G>A, p.Arg510Gln (NM_001282948.2, NM_001318154.2); c.1211G>A, p.Arg404Gln (NM_001318153.2); c.1961G>A, p.Arg654Gln (NM_001322252.2); c.1418G>A, p.Arg473Gln (NM_001322254.2, NM_001322258.2); short protein forms R404Q, R654Q, R510Q, R473Q, R692Q.
Identifiers: ClinVar variation 1957735 (VCV001957735.5), dbSNP rs757313937, ClinGen allele CA5518689.

ClinVar aggregate classification (germline): Uncertain significance (1 of 4 stars; one submission).

Conditions:
Early Myoclonic Encephalopathy. Identifiers: MedGen C0270855.

Allele frequency attached by ClinVar (database versions not stated): ExAC 0.00001; gnomAD exomes 0.00001.
gnomAD v4.1: 17 of 1,614,112 alleles (0.0011%); highest among the groups gnomAD compares: Non-Finnish European, 0.0014%; no homozygotes.

Submission:

Labcorp Genetics (formerly Invitae), Labcorp
Classification: Uncertain significance for Early Myoclonic Encephalopathy. Last evaluated: 2024-04-07. Review status: criteria provided, single submitter. Criteria: Invitae Variant Classification Sherloc (09022015). Collection method: clinical testing. Allele origin: germline.
Comment: This sequence change replaces arginine, which is basic and polar, with glutamine, which is neutral and polar, at codon 692 of the JMJD1C protein (p.Arg692Gln). This variant is not present in population databases (gnomAD no frequency). This variant has not been reported in the literature in individuals affected with JMJD1C-related conditions. ClinVar contains an entry for this variant (Variation ID: 1957735). Advanced modeling of protein sequence and biophysical properties (such as structural, functional, and spatial information, amino acid conservation, physicochemical variation, residue mobility, and thermodynamic stability) performed at Invitae indicates that this missense variant is expected to disrupt JMJD1C protein function with a positive predictive value of 80%. In summary, the available evidence is currently insufficient to determine the role of this variant in disease. Therefore, it has been classified as a Variant of Uncertain Significance.